The following is an entry in ClinVar:

ClinVar aggregate classification (germline): Uncertain significance (1 of 4 stars; one submission).

Conditions:
NIK deficiency. Also called: Primary immunodeficiency with multifaceted aberrant lymphoid immunity. Identifiers: Orphanet 447731, MedGen C5680065, MONDO:0018642.

Allele frequency attached by ClinVar (database versions not stated): gnomAD exomes below 0.00001; ExAC 0.00001; TOPMed below 0.00001.
gnomAD v4.1: 1 of 1,612,486 alleles (0.000062%); highest among the groups gnomAD compares: South Asian, 0.0011%; no homozygotes.

Submission:

Labcorp Genetics (formerly Invitae), Labcorp
Classification: Uncertain significance for NIK deficiency. Last evaluated: 2018-11-06. Review status: criteria provided, single submitter. Criteria: Invitae Variant Classification Sherloc (09022015). Collection method: clinical testing. Allele origin: germline.
Comment: In summary, the available evidence is currently insufficient to determine the role of this variant in disease. Therefore, it has been classified as a Variant of Uncertain Significance. Algorithms developed to predict the effect of missense changes on protein structure and function do not agree on the potential impact of this missense change (SIFT: "Deleterious"; PolyPhen-2: "Benign"; Align-GVGD: "Class C15"). This variant has not been reported in the literature in individuals with MAP3K14-related disease. This variant is present in population databases (rs747466210, ExAC 0.007%). This sequence change replaces proline with serine at codon 274 of the MAP3K14 protein (p.Pro274Ser). The proline residue is highly conserved and there is a moderate physicochemical difference between proline and serine.

NM_003954.5(MAP3K14):c.820C>T (p.Pro274Ser)

Gene: MAP3K14 (mitogen-activated protein kinase kinase kinase 14; minus strand). Cytogenetic location: 17q21.31.
Variant type: single nucleotide variant.
Coding change: c.820C>T on transcript NM_003954.5 (MANE Select); coding-DNA position 820, C replaced by T.
Protein change: p.Pro274Ser; replaces proline 274 with serine.
Molecular consequence: missense variant.
Genome position (GRCh38, 1-based): chr17:45,286,763, G>A on the plus strand (C>T on the coding strand, the complement: MAP3K14 is on the minus strand). VCF-style: chr17-45286763-G-A. GRCh37 (hg19) VCF-style: chr17-43364130-G-A.
Other names: c.820C>T, p.Pro274Ser (LRG_1222t1); short protein forms P274S.
Identifiers: ClinVar variation 544321 (VCV000544321.8), dbSNP rs747466210, ClinGen allele CA8614269.